The following is an entry in ClinVar:

NM_000540.3(RYR1):c.13561C>T (p.Pro4521Ser)

Gene: RYR1 (ryanodine receptor 1; plus strand). Cytogenetic location: 19q13.2.
Variant type: single nucleotide variant.
Coding change: c.13561C>T on transcript NM_000540.3 (MANE Select); coding-DNA position 13561, C replaced by T.
Protein change: p.Pro4521Ser; replaces proline 4521 with serine.
Molecular consequence: missense variant.
Genome position (GRCh38, 1-based): chr19:38,567,819, C>T. VCF-style: chr19-38567819-C-T. GRCh37 (hg19) VCF-style: chr19-39058459-C-T.
Other names: c.13546C>T, p.Pro4516Ser (NM_001042723.2); short protein forms P4516S, P4521S.
Identifiers: ClinVar variation 4756329 (VCV004756329.1).

ClinVar aggregate classification (germline): Uncertain significance (1 of 4 stars; one submission).

Conditions:
Malignant hyperthermia, susceptibility to, 1 (MHS1). Also called: RYR1-Related Malignant Hyperthermia Susceptibility; Malignant hyperthermia suceptibility 1; Anesthesia related hyperthermia; Malignant hyperpyrexia; Fulminating hyperpyrexia; Pharmacogenic myopathy. Identifiers: Orphanet 423, MedGen C2930980, MONDO:0007783, OMIM 145600.

gnomAD v4.1: 3 of 1,614,138 alleles (0.00019%); highest among the groups gnomAD compares: Admixed American, 0.0017%; no homozygotes.

Submission:

Color Diagnostics, LLC DBA Color Health
Classification: Uncertain significance for Malignant hyperthermia, susceptibility to, 1. Last evaluated: 2025-09-11. Review status: criteria provided, single submitter. Criteria: ACMG Guidelines, 2015. Collection method: clinical testing. Allele origin: germline.
Comment: This missense variant replaces proline with serine at codon 4521 of the RYR1 protein. Computational prediction suggests that this variant may not impact protein structure and function. To our knowledge, functional studies have not been reported for this variant. This variant has not been reported in individuals affected with RYR1-related disorders in the literature. This variant has not been identified in the general population by the Genome Aggregation Database (gnomAD). The available evidence is insufficient to determine the role of this variant in disease conclusively. Therefore, this variant is classified as a Variant of Uncertain Significance.